The following is an entry in ClinVar:

ClinVar aggregate classification (germline): Uncertain significance (1 of 4 stars; one submission).

Submission:

Labcorp Genetics (formerly Invitae), Labcorp
Classification: Uncertain significance. Last evaluated: 2023-10-30. Review status: criteria provided, single submitter. Criteria: Invitae Variant Classification Sherloc (09022015). Collection method: clinical testing. Allele origin: germline.
Comment: This sequence change replaces asparagine, which is neutral and polar, with histidine, which is basic and polar, at codon 364 of the CLUAP1 protein (p.Asn364His). This variant is not present in population databases (gnomAD no frequency). This variant has not been reported in the literature in individuals affected with CLUAP1-related conditions. An algorithm developed to predict the effect of missense changes on protein structure and function (PolyPhen-2) suggests that this variant is likely to be tolerated. In summary, the available evidence is currently insufficient to determine the role of this variant in disease. Therefore, it has been classified as a Variant of Uncertain Significance.

NM_015041.3(CLUAP1):c.1090A>C (p.Asn364His)

Gene: CLUAP1 (clusterin associated protein 1; plus strand). Cytogenetic location: 16p13.3.
Variant type: single nucleotide variant.
Coding change: c.1090A>C on transcript NM_015041.3 (MANE Select); coding-DNA position 1090, A replaced by C.
Protein change: p.Asn364His; replaces asparagine 364 with histidine.
Molecular consequence: missense variant.
Genome position (GRCh38, 1-based): chr16:3,532,839, A>C. VCF-style: chr16-3532839-A-C. GRCh37 (hg19) VCF-style: chr16-3582839-A-C.
Other names: c.1090A>C, p.Asn364His (NM_001330454.2); c.592A>C, p.Asn198His (NM_024793.3); short protein forms N198H, N364H.
Identifiers: ClinVar variation 2818812 (VCV002818812.3), dbSNP rs2038154099, ClinGen allele CA394515860.